The following is an entry in ClinVar:

ClinVar aggregate classification (germline): Uncertain significance (1 of 4 stars; one submission).

Conditions:
Rothmund-Thomson syndrome type 2 (RTS2). Identifiers: Orphanet 221016, MedGen C5203410, MONDO:0016369, OMIM 268400.

Submission:

Yang Dingquan Laboratory, China-Japan Friendship Hospital
Classification: Uncertain significance for Rothmund-Thomson syndrome type 2. Review status: criteria provided, single submitter. Criteria: ACMG Guidelines, 2015. Collection method: clinical testing. Allele origin: germline. Inheritance: Autosomal recessive inheritance. Affected: yes.
Comment: This ANAPC1 variant (NM_022662.4:c.4907T>C, p.Val1636Ala) was classified as a variant of uncertain significance (VUS) according to ACMG/AMP 2015 guidelines. RECQL4 testing was negative. Further functional studies are needed to clarify pathogenicity.

NM_022662.4(ANAPC1):c.4907T>C (p.Val1636Ala)

Gene: ANAPC1 (anaphase promoting complex subunit 1; minus strand). Cytogenetic location: 2q13.
Variant type: single nucleotide variant.
Coding change: c.4907T>C on transcript NM_022662.4 (MANE Select); coding-DNA position 4907, T replaced by C.
Protein change: p.Val1636Ala; replaces valine 1636 with alanine.
Molecular consequence: missense variant.
Genome position (GRCh38, 1-based): chr2:111,785,370, A>G on the plus strand (T>C on the coding strand, the complement: ANAPC1 is on the minus strand). VCF-style: chr2-111785370-A-G. GRCh37 (hg19) VCF-style: chr2-112542947-A-G.
Other names: p.Val1636Ala; short protein forms V1636A.
Identifiers: ClinVar variation 4076107 (VCV004076107.1).
Genomic context (GRCh38, chr2:111,785,370, plus strand): 5'-AAGACGGATGAGTGGTAATAAAATTACAAGTAAATGATAGGGAGAGATACCTTGTAGGTA[A>G]CTTCTAAGAGGGCATAGCAGGGCGTGTTTGTGTCCACATCCACAGGCACTAGAAGCCTGG-3'
Protein context (NP_073153.1, residues 1626-1646): TNTPCYALLE[Val1636Ala]TYKGTQWYEQ